The following is an entry in ClinVar:

ClinVar aggregate classification (germline): Uncertain significance. Review status: criteria provided, multiple submitters, no conflicts (2 of 4 stars). 2 submissions from 2 submitters: Uncertain significance (2). Last evaluated 2025-05-14.

gnomAD v4.1: 4 of 1,613,976 alleles (0.00025%); highest among the groups gnomAD compares: Admixed American, 0.0017%; no homozygotes.

Submissions (2):

Mayo Clinic Laboratories, Mayo Clinic
Classification: Uncertain significance. Last evaluated: 2025-05-14. Review status: criteria provided, single submitter. Criteria: ACMG Guidelines, 2015. Collection method: clinical testing. Allele origin: germline. Observed: 1 variant allele.
Comment: PM2_supporting

Ambry Genetics
Classification: Uncertain significance. Last evaluated: 2024-05-06. Review status: criteria provided, single submitter. Criteria: Ambry Variant Classification Scheme 2023. Collection method: clinical testing. Allele origin: germline.

NM_004787.4(SLIT2):c.3426G>T (p.Glu1142Asp)

Gene: SLIT2 (slit guidance ligand 2; plus strand). Cytogenetic location: 4p15.31.
Variant type: single nucleotide variant.
Coding change: c.3426G>T on transcript NM_004787.4 (MANE Select); coding-DNA position 3426, G replaced by T.
Protein change: p.Glu1142Asp; replaces glutamic acid 1142 with aspartic acid.
Molecular consequence: missense variant.
Genome position (GRCh38, 1-based): chr4:20,596,520, G>T. VCF-style: chr4-20596520-G-T. GRCh37 (hg19) VCF-style: chr4-20598143-G-T.
Other names: p.Glu1142Asp; c.3414G>T, p.Glu1138Asp (NM_001289135.3); c.3402G>T, p.Glu1134Asp (NM_001289136.3); short protein forms E1134D, E1138D, E1142D.
Identifiers: ClinVar variation 3320506 (VCV003320506.2).